The following is an entry in ClinVar:

NM_003873.7(NRP1):c.653C>T (p.Pro218Leu)

Gene: NRP1 (neuropilin 1; minus strand). Cytogenetic location: 10p11.22.
Variant type: single nucleotide variant.
Coding change: c.653C>T on transcript NM_003873.7 (MANE Select); coding-DNA position 653, C replaced by T.
Protein change: p.Pro218Leu; replaces proline 218 with leucine.
Molecular consequence: missense variant. On other transcripts: non-coding transcript variant (1).
Genome position (GRCh38, 1-based): chr10:33,263,651, G>A on the plus strand (C>T on the coding strand, the complement: NRP1 is on the minus strand). VCF-style: chr10-33263651-G-A. GRCh37 (hg19) VCF-style: chr10-33552579-G-A.
Other names: c.653C>T, p.Pro218Leu (NM_001024628.3, NM_001024629.3, NM_001244972.2 and 2 more transcripts); short protein forms P218L.
Identifiers: ClinVar variation 4998565 (VCV004998565.1).
Genomic context (GRCh38, chr10:33,263,651, plus strand): 5'-CTGGTGCCCTTCCTCCAGAACCTTCCCTTTTTGGGGTGCTTCCTGTCATTCTTACCATCA[G>A]GGAATCCATCCCAGATTTCTAGCCGGTCGTAGCGACAGAACATCCCCCCTGGAGGATTTG-3'
Protein context (NP_003864.5, residues 208-228): YDRLEIWDGF[Pro218Leu]DVGPHIGRYC

ClinVar aggregate classification (germline): Uncertain significance (1 of 4 stars; one submission).

Conditions:
NRP1-related disorder. Also called: NRP1-related condition.

gnomAD v4.1: 1 of 1,613,002 alleles (0.000062%); highest among the groups gnomAD compares: South Asian, 0.0011%; no homozygotes.

Submission:

PreventionGenetics, part of Exact Sciences
Classification: Uncertain significance for NRP1-related condition. Last evaluated: 2025-05-13. Review status: criteria provided, single submitter. Criteria: ACMG Guidelines, 2015. Collection method: clinical testing. Allele origin: germline.
Comment: The NRP1 c.653C>T variant is predicted to result in the amino acid substitution p.Pro218Leu. To our knowledge, this variant has not been reported in the literature or in a large population database (gnomAD), indicating this variant is rare. At this time, the clinical significance of this variant is uncertain due to the absence of conclusive functional and genetic evidence.